The following is an entry in ClinVar:

ClinVar aggregate classification (germline): Uncertain significance (1 of 4 stars; one submission).

Submission:

GeneDx
Classification: Uncertain significance. Last evaluated: 2022-04-15. Review status: criteria provided, single submitter. Criteria: GeneDx Variant Classification Process June 2021. Collection method: clinical testing. Allele origin: germline. Affected: yes.
Comment: Not observed at significant frequency in large population cohorts (gnomAD); In silico analysis supports that this missense variant has a deleterious effect on protein structure/function; Has not been previously published as pathogenic or benign to our knowledge

NM_004230.4(S1PR2):c.407A>G (p.Lys136Arg)

Gene: S1PR2 (sphingosine-1-phosphate receptor 2; minus strand). Cytogenetic location: 19p13.2.
Variant type: single nucleotide variant.
Coding change: c.407A>G on transcript NM_004230.4 (MANE Select); coding-DNA position 407, A replaced by G.
Protein change: p.Lys136Arg; replaces lysine 136 with arginine.
Molecular consequence: missense variant.
Genome position (GRCh38, 1-based): chr19:10,224,499, T>C on the plus strand (A>G on the coding strand, the complement: S1PR2 is on the minus strand). VCF-style: chr19-10224499-T-C. GRCh37 (hg19) VCF-style: chr19-10335175-T-C.
Other names: short protein forms K136R.
Identifiers: ClinVar variation 1710821 (VCV001710821.2), dbSNP rs2513959737, ClinGen allele CA403948478.